The following is an entry in ClinVar:

NM_003900.5(SQSTM1):c.901G>C (p.Glu301Gln)

Gene: SQSTM1 (sequestosome 1; plus strand). Cytogenetic location: 5q35.3.
Variant type: single nucleotide variant.
Coding change: c.901G>C on transcript NM_003900.5 (MANE Select); coding-DNA position 901, G replaced by C.
Protein change: p.Glu301Gln; replaces glutamic acid 301 with glutamine.
Molecular consequence: missense variant.
Genome position (GRCh38, 1-based): chr5:179,833,178, G>C. VCF-style: chr5-179833178-G-C. GRCh37 (hg19) VCF-style: chr5-179260178-G-C.
Other names: c.649G>C, p.Glu217Gln (NM_001142298.2, NM_001142299.2); short protein forms E217Q, E301Q.
Identifiers: ClinVar variation 949774 (VCV000949774.9), dbSNP rs1258386028, ClinGen allele CA362451700.

ClinVar aggregate classification (germline): Uncertain significance (1 of 4 stars; one submission).

Conditions:
Frontotemporal dementia and/or amyotrophic lateral sclerosis 1 (FTDALS1). Also called: Frontotemporal dementia with motor neuron disease 1; C9orf72 Frontotemporal Dementia and/or Amyotrophic Lateral Sclerosis. Identifiers: Orphanet 275872, MedGen C5779877, MONDO:0007105, OMIM 105550.
Paget disease of bone 2, early-onset (PDB2). Also called: Paget disease of bone 2. Identifiers: MedGen C4085251, MONDO:0011183, OMIM 602080.

Allele frequency attached by ClinVar (database versions not stated): gnomAD exomes 0.00001; TOPMed 0.00004; gnomAD 0.00005.
gnomAD v4.1: 10 of 1,613,846 alleles (0.00062%); highest among the groups gnomAD compares: Admixed American, 0.017%; no homozygotes.

Submission:

Labcorp Genetics (formerly Invitae), Labcorp
Classification: Uncertain significance for Paget disease of bone 2, early-onset; Frontotemporal dementia and/or amyotrophic lateral sclerosis 1. Last evaluated: 2025-05-25. Review status: criteria provided, single submitter. Criteria: Invitae Variant Classification Sherloc (09022015). Collection method: clinical testing. Allele origin: germline.
Comment: This sequence change replaces glutamic acid, which is acidic and polar, with glutamine, which is neutral and polar, at codon 301 of the SQSTM1 protein (p.Glu301Gln). This variant is present in population databases (no rsID available, gnomAD 0.006%). This variant has not been reported in the literature in individuals affected with SQSTM1-related conditions. ClinVar contains an entry for this variant (Variation ID: 949774). Invitae Evidence Modeling of protein sequence and biophysical properties (such as structural, functional, and spatial information, amino acid conservation, physicochemical variation, residue mobility, and thermodynamic stability) indicates that this missense variant is not expected to disrupt SQSTM1 protein function with a negative predictive value of 80%. In summary, the available evidence is currently insufficient to determine the role of this variant in disease. Therefore, it has been classified as a Variant of Uncertain Significance.